The following is an entry in ClinVar:

NM_015978.3(TNNI3K):c.1310G>T (p.Ser437Ile)

Genes: TNNI3K (TNNI3 interacting kinase; plus strand), FPGT-TNNI3K (FPGT-TNNI3K readthrough; plus strand). Cytogenetic location: 1p31.1.
Variant type: single nucleotide variant.
Coding change: c.1310G>T on transcript NM_015978.3 (MANE Select); coding-DNA position 1310, G replaced by T.
Protein change: p.Ser437Ile; replaces serine 437 with isoleucine.
Molecular consequence: missense variant.
Genome position (GRCh38, 1-based): chr1:74,367,953, G>T. VCF-style: chr1-74367953-G-T. GRCh37 (hg19) VCF-style: chr1-74833637-G-T.
Other names: c.1613G>T, p.Ser538Ile (NM_001112808.3, NM_001199327.2); short protein forms S437I, S538I.
Identifiers: ClinVar variation 2851160 (VCV002851160.3), dbSNP rs1394161935, ClinGen allele CA340785670.

ClinVar aggregate classification (germline): Uncertain significance (1 of 4 stars; one submission).

Submission:

Labcorp Genetics (formerly Invitae), Labcorp
Classification: Uncertain significance. Last evaluated: 2023-07-14. Review status: criteria provided, single submitter. Criteria: Invitae Variant Classification Sherloc (09022015). Collection method: clinical testing. Allele origin: germline.
Comment: In summary, the available evidence is currently insufficient to determine the role of this variant in disease. Therefore, it has been classified as a Variant of Uncertain Significance. Advanced modeling of protein sequence and biophysical properties (such as structural, functional, and spatial information, amino acid conservation, physicochemical variation, residue mobility, and thermodynamic stability) performed at Invitae indicates that this missense variant is not expected to disrupt TNNI3K protein function. This variant has not been reported in the literature in individuals affected with TNNI3K-related conditions. This variant is not present in population databases (gnomAD no frequency). This sequence change replaces serine, which is neutral and polar, with isoleucine, which is neutral and non-polar, at codon 437 of the TNNI3K protein (p.Ser437Ile).